The following is an entry in ClinVar:

NM_145261.4(DNAJC19):c.202G>A (p.Gly68Ser)

Gene: DNAJC19 (DnaJ heat shock protein family (Hsp40) member C19; minus strand). Cytogenetic location: 3q26.33.
Variant type: single nucleotide variant.
Coding change: c.202G>A on transcript NM_145261.4 (MANE Select); coding-DNA position 202, G replaced by A.
Protein change: p.Gly68Ser; replaces glycine 68 with serine.
Molecular consequence: missense variant. On other transcripts: non-coding transcript variant (1).
Genome position (GRCh38, 1-based): chr3:180,986,950, C>T on the plus strand (G>A on the coding strand, the complement: DNAJC19 is on the minus strand). VCF-style: chr3-180986950-C-T. GRCh37 (hg19) VCF-style: chr3-180704738-C-T.
Other names: c.127G>A, p.Gly43Ser (NM_001190233.2); c.202G>A (NM_145261.3); short protein forms G43S, G68S.
Identifiers: ClinVar variation 1474649 (VCV001474649.9), dbSNP rs754317673, ClinGen allele CA2717103.

ClinVar aggregate classification (germline): Uncertain significance. Review status: criteria provided, multiple submitters, no conflicts (2 of 4 stars). 3 submissions from 3 submitters: Uncertain significance (3). Last evaluated 2024-07-31.

Conditions:
Inborn genetic diseases. Identifiers: MedGen C0950123, MeSH D030342.
3-methylglutaconic aciduria type 5. Also called: MGA, TYPE V; 3 alpha methylglutaconic aciduria type V; MGA 5; CARDIOMYOPATHY, DILATED, WITH ATAXIA. Identifiers: Orphanet 66634, MedGen C1857776, MONDO:0012435, OMIM 610198.

Allele frequency attached by ClinVar (database versions not stated): gnomAD 0.00001; TOPMed 0.00003; gnomAD exomes 0.00005 and 0.00010; ExAC 0.00008.
gnomAD v4.1: 35 of 1,613,122 alleles (0.0022%); highest among the groups gnomAD compares: Admixed American, 0.045%; no homozygotes.

Submissions (3):

Ambry Genetics
Classification: Uncertain significance for Inborn genetic diseases. Last evaluated: 2024-07-31. Review status: criteria provided, single submitter. Criteria: Ambry Variant Classification Scheme 2023. Collection method: clinical testing. Allele origin: germline.

Labcorp Genetics (formerly Invitae), Labcorp
Classification: Uncertain significance for 3-methylglutaconic aciduria type 5. Last evaluated: 2022-11-01. Review status: criteria provided, single submitter. Criteria: Invitae Variant Classification Sherloc (09022015). Collection method: clinical testing. Allele origin: germline.
Comment: This sequence change replaces glycine, which is neutral and non-polar, with serine, which is neutral and polar, at codon 68 of the DNAJC19 protein (p.Gly68Ser). This variant is present in population databases (rs754317673, gnomAD 0.07%). This variant has not been reported in the literature in individuals affected with DNAJC19-related conditions. ClinVar contains an entry for this variant (Variation ID: 1474649). Algorithms developed to predict the effect of missense changes on protein structure and function (SIFT, PolyPhen-2, Align-GVGD) all suggest that this variant is likely to be tolerated. In summary, the available evidence is currently insufficient to determine the role of this variant in disease. Therefore, it has been classified as a Variant of Uncertain Significance.

Revvity Omics, Revvity
Classification: Uncertain significance for 3-methylglutaconic aciduria type 5. Last evaluated: 2021-06-22. Review status: criteria provided, single submitter. Criteria: ACMG Guidelines, 2015. Collection method: clinical testing. Allele origin: germline.